The following is an entry in ClinVar:

ClinVar aggregate classification (germline): Likely benign. Review status: criteria provided, multiple submitters, no conflicts (2 of 4 stars). 4 submissions from 4 submitters: Likely benign (3). 1 of the submissions does not count toward it. Last evaluated 2025-08-04.

Conditions:
OTOA-related disorder. Also called: OTOA-related condition.

Allele frequency attached by ClinVar (database versions not stated): gnomAD 0.00010 and 0.00012; ExAC 0.00012; gnomAD exomes 0.00013 and 0.00018; TOPMed 0.00013; ESP Exome Variant Server 0.00015; 1000 Genomes Project 0.00040; 1000 Genomes Project 30x 0.00047.
gnomAD v4.1: 278 of 1,611,130 alleles (0.017%); highest among the groups gnomAD compares: South Asian, 0.042%; 1 homozygote.

Submissions (4):

Labcorp Genetics (formerly Invitae), Labcorp
Classification: Likely benign. Last evaluated: 2025-08-04. Review status: criteria provided, single submitter. Criteria: Invitae Variant Classification Sherloc (09022015). Collection method: clinical testing. Allele origin: germline.

CeGaT Center for Human Genetics Tuebingen
Classification: Likely benign. Last evaluated: 2023-03-01. Review status: criteria provided, single submitter. Criteria: CeGaT Center For Human Genetics Tuebingen Variant Classification Criteria Version 2. Collection method: clinical testing. Allele origin: germline. Affected: yes. Observed: 1 variant allele.
Comment: OTOA: BP4, BP7

Laboratory for Molecular Medicine, Mass General Brigham Personalized Medicine
Classification: Likely benign. Last evaluated: 2015-08-10. Review status: criteria provided, single submitter. Criteria: LMM Criteria. Collection method: clinical testing. Allele origin: germline. Observed: 1 variant allele.
Comment: p.Gly132Gly in exon 6 of OTOA: This variant is not expected to have clinical sig nificance because it does not alter an amino acid residue and it is not located within the splice consensus sequence. It has been identified in 9/66388 European chromosomes by the Exome Aggregation Consortium (ExAC; dbSNP rs147717988).

PreventionGenetics, part of Exact Sciences
Classification: Likely benign for OTOA-related condition. Last evaluated: 2019-07-15. Review status: no assertion criteria provided. Collection method: clinical testing. Allele origin: germline. Not counted in ClinVar's aggregate classification.
Comment: This variant is classified as likely benign based on ACMG/AMP sequence variant interpretation guidelines (Richards et al. 2015 PMID: 25741868, with internal and published modifications).

NM_144672.4(OTOA):c.396C>T (p.Gly132=)

Gene: OTOA (otoancorin). Cytogenetic location: 16p12.2.
Variant type: single nucleotide variant.
Coding change: c.396C>T on transcript NM_144672.4 (MANE Select); coding-DNA position 396, C replaced by T.
Protein change: p.Gly132=; no amino-acid change (glycine 132 retained).
Molecular consequence: synonymous variant.
Genome position (GRCh38, 1-based): chr16:21,685,358, C>T. VCF-style: chr16-21685358-C-T. GRCh37 (hg19) VCF-style: chr16-21696679-C-T.
Other names: c.159C>T, p.Gly53= (NM_001161683.2).
Identifiers: ClinVar variation 227750 (VCV000227750.33), dbSNP rs147717988, ClinGen allele CA7952288.